The following is an entry in ClinVar:

NM_017841.4(SDHAF2):c.36+3G>A

Gene: SDHAF2 (succinate dehydrogenase complex assembly factor 2; plus strand). Cytogenetic location: 11q12.2.
Variant type: single nucleotide variant.
Coding change: c.36+3G>A on transcript NM_017841.4 (MANE Select); 3 bases into the intron after coding-DNA position 36, G replaced by A.
Molecular consequence: intron variant.
Genome position (GRCh38, 1-based): chr11:61,430,185, G>A. VCF-style: chr11-61430185-G-A. GRCh37 (hg19) VCF-style: chr11-61197657-G-A.
Identifiers: ClinVar variation 3438722 (VCV003438722.5).

ClinVar aggregate classification (germline): Uncertain significance. Review status: criteria provided, multiple submitters, no conflicts (2 of 4 stars). 3 submissions from 3 submitters: Uncertain significance (3). Last evaluated 2025-10-03.

Conditions:
Hereditary cancer-predisposing syndrome. Also called: Hereditary Cancer Syndrome; Hereditary neoplastic syndrome; Neoplastic Syndromes, Hereditary; Tumor predisposition. Identifiers: Orphanet 140162, MedGen C0027672, MeSH D009386, MONDO:0015356.
Hereditary pheochromocytoma and paraganglioma. Also called: Hereditary paragangliomas and pheochromocytomas; Hereditary Paraganglioma-Pheochromocytoma Syndromes; Hereditary pheochromocytoma-paraganglioma. Identifiers: Orphanet 29072, MedGen C4274332, MONDO:0017366.

gnomAD v4.1: 11 of 1,614,120 alleles (0.00068%); highest among the groups gnomAD compares: Non-Finnish European, 0.00017%; no homozygotes.

Submissions (3):

Dasa
Classification: Uncertain significance. Last evaluated: 2025-10-03. Review status: criteria provided, single submitter. Criteria: DASA Assertion Criteria. Collection method: clinical testing. Allele origin: germline.
Comment: NM_017841.4(SDHAF2):c.36+3G>A is a splice-region variant. This variant is rare in population databases. Computational prediction algorithms are consistent with a benign effect. The currently available literature and clinical evidence are not sufficient to establish a definitive association between this variant and the reported condition. Therefore, this variant is classified as a variant of uncertain significance.

Labcorp Genetics (formerly Invitae), Labcorp
Classification: Uncertain significance for Hereditary pheochromocytoma and paraganglioma. Last evaluated: 2025-09-07. Review status: criteria provided, single submitter. Criteria: Invitae Variant Classification Sherloc (09022015). Collection method: clinical testing. Allele origin: germline.
Comment: This sequence change falls in intron 1 of the SDHAF2 gene. It does not directly change the encoded amino acid sequence of the SDHAF2 protein. It affects a nucleotide within the consensus splice site. This variant is present in population databases (rs750312535, gnomAD 0.02%). This variant has not been reported in the literature in individuals affected with SDHAF2-related conditions. ClinVar contains an entry for this variant (Variation ID: 3438722). Variants that disrupt the consensus splice site are a relatively common cause of aberrant splicing (PMID: 17576681, 9536098). Algorithms developed to predict the effect of sequence changes on RNA splicing suggest that this variant is not likely to affect RNA splicing. In summary, the available evidence is currently insufficient to determine the role of this variant in disease. Therefore, it has been classified as a Variant of Uncertain Significance.

Ambry Genetics
Classification: Uncertain significance for Hereditary cancer-predisposing syndrome. Last evaluated: 2024-09-16. Review status: criteria provided, single submitter. Criteria: Ambry Variant Classification Scheme 2023. Collection method: clinical testing. Allele origin: germline.
Comment: The c.36+3G>A intronic variant results from a G to A substitution 3 nucleotides after coding exon 1 in the SDHAF2 gene. This nucleotide position is highly conserved in available vertebrate species. In silico splice site analysis predicts that this alteration will not have any significant effect on splicing. Based on the available evidence, the clinical significance of this variant remains unclear.

Literature cited by the submitters: PubMed 17576681 (cited by Labcorp Genetics (formerly Invitae), Labcorp); PubMed 9536098 (cited by Labcorp Genetics (formerly Invitae), Labcorp).